The following is an entry in ClinVar:

NM_006005.3(WFS1):c.980T>C (p.Leu327Pro)

Gene: WFS1 (wolframin ER transmembrane glycoprotein; plus strand). Cytogenetic location: 4p16.1.
Variant type: single nucleotide variant.
Coding change: c.980T>C on transcript NM_006005.3 (MANE Select); coding-DNA position 980, T replaced by C.
Protein change: p.Leu327Pro; replaces leucine 327 with proline.
Molecular consequence: missense variant.
Genome position (GRCh38, 1-based): chr4:6,300,775, T>C. VCF-style: chr4-6300775-T-C. GRCh37 (hg19) VCF-style: chr4-6302502-T-C.
Other names: c.980T>C, p.Leu327Pro (NM_001145853.1); short protein forms L327P.
Identifiers: ClinVar variation 4722592 (VCV004722592.1).

ClinVar aggregate classification (germline): Uncertain significance (1 of 4 stars; one submission).

Submission:

Labcorp Genetics (formerly Invitae), Labcorp
Classification: Uncertain significance. Last evaluated: 2025-08-19. Review status: criteria provided, single submitter. Criteria: Invitae Variant Classification Sherloc (09022015). Collection method: clinical testing. Allele origin: germline.
Comment: This sequence change replaces leucine, which is neutral and non-polar, with proline, which is neutral and non-polar, at codon 327 of the WFS1 protein (p.Leu327Pro). This variant is not present in population databases (gnomAD no frequency). This variant has not been reported in the literature in individuals affected with WFS1-related conditions. Invitae Evidence Modeling of protein sequence and biophysical properties (such as structural, functional, and spatial information, amino acid conservation, physicochemical variation, residue mobility, and thermodynamic stability) has been performed for this missense variant. However, the output from this modeling did not meet the statistical confidence thresholds required to predict the impact of this variant on WFS1 protein function. In summary, the available evidence is currently insufficient to determine the role of this variant in disease. Therefore, it has been classified as a Variant of Uncertain Significance.